The following is an entry in ClinVar:

NM_020247.5(COQ8A):c.512_521del (p.Gly171fs)

Gene: COQ8A (coenzyme Q8A; plus strand). Cytogenetic location: 1q42.13.
Variant type: Deletion.
Coding change: c.512_521del on transcript NM_020247.5 (MANE Select); coding-DNA positions 512 to 521, 10 bases deleted (GGGGCCTCAC; older notation c.512_521delGGGGCCTCAC).
Protein change: p.Gly171fs; shifts the reading frame from glycine 171.
Molecular consequence: frameshift variant.
Genome position (GRCh38, 1-based): chr1:226,965,334-226,965,343, GGGGCCTCAC deleted. VCF-style (leftmost placement, unchanged base first): chr1-226965333-GGGGGCCTCAC-G. GRCh37 (hg19) VCF-style: chr1-227153034-GGGGGCCTCAC-G.
Other names: short protein forms G171fs.
Identifiers: ClinVar variation 3775925 (VCV003775925.1).

ClinVar aggregate classification (germline): Pathogenic (1 of 4 stars; one submission).

Conditions:
Autosomal recessive ataxia due to ubiquinone deficiency. Also called: SPINOCEREBELLAR ATAXIA, AUTOSOMAL RECESSIVE 9; Coenzyme Q10 deficiency, primary, 4. Identifiers: Orphanet 139485, MedGen C2677589, MONDO:0012784, OMIM 612016.

Submission:

3billion
Classification: Pathogenic for Autosomal recessive ataxia due to ubiquinone deficiency. Last evaluated: 2023-09-25. Review status: criteria provided, single submitter. Criteria: ACMG Guidelines, 2015. Collection method: clinical testing. Allele origin: germline. Affected: yes.
Comment: The variant is observed at an extremely low frequency in the gnomAD v2.1.1 dataset (total allele frequency: 0.002%). Predicted Consequence/Location: Frameshift - predicted to result in a loss or disruption of normal protein function through nonsense-mediated decay (NMD) or protein truncation. Multiple pathogenic variants are reported downstream of the variant. 쏟 variant was homozygous. Therefore, the variant is classified as pathogenic according to the recommendation of ACMG/AMP guideline.